The following is an entry in ClinVar:

NM_015937.6(PIGT):c.1723G>C (p.Val575Leu)

Gene: PIGT (phosphatidylinositol glycan anchor biosynthesis class T; plus strand). Cytogenetic location: 20q13.12.
Variant type: single nucleotide variant.
Coding change: c.1723G>C on transcript NM_015937.6 (MANE Select); coding-DNA position 1723, G replaced by C.
Protein change: p.Val575Leu; replaces valine 575 with leucine.
Molecular consequence: missense variant. On other transcripts: non-coding transcript variant (5).
Genome position (GRCh38, 1-based): chr20:45,425,812, G>C. VCF-style: chr20-45425812-G-C. GRCh37 (hg19) VCF-style: chr20-44054452-G-C.
Other names: c.1555G>C, p.Val519Leu (NM_001184728.3); c.1522G>C, p.Val508Leu (NM_001184729.3); c.1417G>C, p.Val473Leu (NM_001184730.3); short protein forms V473L, V508L, V519L, V575L.
Identifiers: ClinVar variation 3767684 (VCV003767684.1).
Genomic context (GRCh38, chr20:45,425,812, plus strand): 5'-GAGCCCCGCACAGGTGGCCTGGCCAAGCGGCTGGCCAACCTTATCCGGCGCGCCCGAGGT[G>C]TCCCCCCACTCTGATTCTTGCCCTTTCCAGCAGCTGCAGCTGCCGTTTCTCTCTGGGGAG-3'
Protein context (NP_057021.2, residues 565-578): LANLIRRARG[Val575Leu]PPL

ClinVar aggregate classification (germline): Uncertain significance (1 of 4 stars; one submission).

Submission:

GeneDx
Classification: Uncertain significance. Last evaluated: 2024-09-09. Review status: criteria provided, single submitter. Criteria: GeneDx Variant Classification Process June 2021. Collection method: clinical testing. Allele origin: germline. Affected: yes.
Comment: Not observed at significant frequency in large population cohorts (gnomAD); In silico analysis indicates that this missense variant does not alter protein structure/function; Has not been previously published as pathogenic or benign to our knowledge